The following is an entry in ClinVar:

ClinVar aggregate classification (germline): Uncertain significance. Review status: criteria provided, multiple submitters, no conflicts (2 of 4 stars). 2 submissions from 2 submitters: Uncertain significance (2). Last evaluated 2023-10-10.

Conditions:
Inborn genetic diseases. Identifiers: MedGen C0950123, MeSH D030342.

Allele frequency attached by ClinVar (database versions not stated): gnomAD exomes below 0.00001.
gnomAD v4.1: 8 of 1,614,206 alleles (0.0005%); highest among the groups gnomAD compares: East Asian, 0.0045%; no homozygotes.

Submissions (2):

Ambry Genetics
Classification: Uncertain significance for Inborn genetic diseases. Last evaluated: 2023-10-10. Review status: criteria provided, single submitter. Criteria: Ambry Variant Classification Scheme 2023. Collection method: clinical testing. Allele origin: germline.

CeGaT Center for Human Genetics Tuebingen
Classification: Uncertain significance. Last evaluated: 2023-03-01. Review status: criteria provided, single submitter. Criteria: CeGaT Center For Human Genetics Tuebingen Variant Classification Criteria Version 2. Collection method: clinical testing. Allele origin: germline. Affected: yes. Observed: 1 variant allele.
Comment: CUL7: PM2, PM5, PP4, BP4

NM_014780.5(CUL7):c.278A>T (p.Gln93Leu)

Gene: CUL7 (cullin 7; minus strand). Cytogenetic location: 6p21.1.
Variant type: single nucleotide variant.
Coding change: c.278A>T on transcript NM_014780.5 (MANE Select); coding-DNA position 278, A replaced by T.
Protein change: p.Gln93Leu; replaces glutamine 93 with leucine.
Molecular consequence: missense variant.
Genome position (GRCh38, 1-based): chr6:43,052,511, T>A on the plus strand (A>T on the coding strand, the complement: CUL7 is on the minus strand). VCF-style: chr6-43052511-T-A. GRCh37 (hg19) VCF-style: chr6-43020249-T-A.
Other names: c.278A>T, p.Gln93Leu (NM_001374874.1, NM_001168370.2, NM_001374872.1 and 1 more transcripts); c.278A>T (NM_014780.4); short protein forms Q93L.
Identifiers: ClinVar variation 2656574 (VCV002656574.25), dbSNP rs1023824591, ClinGen allele CA138252129.